The following is an entry in ClinVar:

ClinVar aggregate classification (germline): Uncertain significance (1 of 4 stars; one submission).

Conditions:
Imerslund-Grasbeck syndrome. Also called: Megaloblastic anemia due to inborn errors of metabolism; Imerslund-Gräsbeck syndrome; ENTEROCYTE COBALAMIN MALABSORPTION; ENTEROCYTE INTRINSIC FACTOR RECEPTOR, DEFECT OF; PERNICIOUS ANEMIA, JUVENILE, DUE TO SELECTIVE INTESTINAL MALABSORPTION OF VITAMIN B12, WITH PROTEINURIA. Identifiers: Orphanet 35858, MedGen C4551825, MONDO:0009853.

Allele frequency attached by ClinVar (database versions not stated): gnomAD exomes below 0.00001; TOPMed below 0.00001; gnomAD 0.00001.
gnomAD v4.1: 3 of 1,614,048 alleles (0.00019%); highest among the groups gnomAD compares: East Asian, 0.0022%; no homozygotes.

Submission:

Labcorp Genetics (formerly Invitae), Labcorp
Classification: Uncertain significance for Imerslund-Grasbeck syndrome. Last evaluated: 2022-11-08. Review status: criteria provided, single submitter. Criteria: Invitae Variant Classification Sherloc (09022015). Collection method: clinical testing. Allele origin: germline.
Comment: Advanced modeling of protein sequence and biophysical properties (such as structural, functional, and spatial information, amino acid conservation, physicochemical variation, residue mobility, and thermodynamic stability) performed at Invitae indicates that this missense variant is expected to disrupt CUBN protein function. In summary, the available evidence is currently insufficient to determine the role of this variant in disease. Therefore, it has been classified as a Variant of Uncertain Significance. This sequence change replaces cysteine, which is neutral and slightly polar, with tyrosine, which is neutral and polar, at codon 2883 of the CUBN protein (p.Cys2883Tyr). This variant is present in population databases (no rsID available, gnomAD 0.1%). This variant has not been reported in the literature in individuals affected with CUBN-related conditions.

NM_001081.4(CUBN):c.8648G>A (p.Cys2883Tyr)

Gene: CUBN (cubilin; minus strand). Cytogenetic location: 10p13.
Variant type: single nucleotide variant.
Coding change: c.8648G>A on transcript NM_001081.4 (MANE Select); coding-DNA position 8648, G replaced by A.
Protein change: p.Cys2883Tyr; replaces cysteine 2883 with tyrosine.
Molecular consequence: missense variant.
Genome position (GRCh38, 1-based): chr10:16,890,478, C>T on the plus strand (G>A on the coding strand, the complement: CUBN is on the minus strand). VCF-style: chr10-16890478-C-T. GRCh37 (hg19) VCF-style: chr10-16932477-C-T.
Other names: short protein forms C2883Y.
Identifiers: ClinVar variation 1941066 (VCV001941066.5), dbSNP rs1461341424, ClinGen allele CA376139103.